The following is an entry in ClinVar:

NM_016148.5(SHANK1):c.3629C>A (p.Ser1210Tyr)

Gene: SHANK1 (SH3 and multiple ankyrin repeat domains 1; minus strand). Cytogenetic location: 19q13.33.
Variant type: single nucleotide variant.
Coding change: c.3629C>A on transcript NM_016148.5 (MANE Select); coding-DNA position 3629, C replaced by A.
Protein change: p.Ser1210Tyr; replaces serine 1210 with tyrosine.
Molecular consequence: missense variant.
Genome position (GRCh38, 1-based): chr19:50,668,331, G>T on the plus strand (C>A on the coding strand, the complement: SHANK1 is on the minus strand). VCF-style: chr19-50668331-G-T. GRCh37 (hg19) VCF-style: chr19-51171588-G-T.
Other names: short protein forms S1210Y.
Identifiers: ClinVar variation 3035229 (VCV003035229.20), dbSNP rs774770529, ClinGen allele CA9601265.
Genomic context (GRCh38, chr19:50,668,331, plus strand): 5'-CTCGTGAAGTCCAGCGTGGCCGGGCCGCTGGGCGAGGCGGGGGTGGGCACGGGCGAGGGG[G>T]ACGGGGGCACGGGTGACATGGCCGGGGCGGGGCTGGGCGAGGAGCCGCCGCCGCCGCCGC-3'
Protein context (NP_057232.2, residues 1200-1220): PAPAMSPVPP[Ser1210Tyr]PSPVPTPASP

ClinVar aggregate classification (germline): Likely benign. Review status: criteria provided, single submitter (1 of 4 stars). 2 submissions from 2 submitters: Likely benign (1). 1 of the submissions does not count toward it. Last evaluated 2025-06-01.

Conditions:
SHANK1-related disorder. Also called: SHANK1-related condition.

Allele frequency attached by ClinVar (database versions not stated): 1000 Genomes Project 30x 0.00016; gnomAD exomes 0.00021; gnomAD 0.00030; TOPMed 0.00035; ExAC 0.00091.
gnomAD v4.1: 303 of 1,265,782 alleles (0.024%); highest among the groups gnomAD compares: Middle Eastern, 0.43%; no homozygotes.

Submissions (2):

CeGaT Center for Human Genetics Tuebingen
Classification: Likely benign. Last evaluated: 2025-06-01. Review status: criteria provided, single submitter. Criteria: CeGaT Center For Human Genetics Tuebingen Variant Classification Criteria Version 2. Collection method: clinical testing. Allele origin: germline. Affected: yes. Observed: 2 variant alleles.
Comment: SHANK1: BS1

PreventionGenetics, part of Exact Sciences
Classification: Benign for SHANK1-related condition. Last evaluated: 2019-08-12. Review status: no assertion criteria provided. Collection method: clinical testing. Allele origin: germline. Not counted in ClinVar's aggregate classification.
Comment: This variant is classified as benign based on ACMG/AMP sequence variant interpretation guidelines (Richards et al. 2015 PMID: 25741868, with internal and published modifications).